The following is an entry in ClinVar:

ClinVar aggregate classification (germline): Conflicting classifications of pathogenicity. Review status: criteria provided, conflicting classifications (1 of 4 stars). 6 submissions from 6 submitters: Uncertain significance (1); Likely benign (5). Last evaluated 2025-11-06.

Conditions:
Megalencephalic leukoencephalopathy with subcortical cysts. Also called: VAN DER KNAAP DISEASE. Identifiers: Orphanet 2478, MedGen C1858854, MONDO:0011391.

Allele frequency attached by ClinVar (database versions not stated): ESP Exome Variant Server 0.00015; gnomAD 0.00029 and 0.00031; TOPMed 0.00032; ExAC 0.00042; gnomAD exomes 0.00046.
gnomAD v4.1: 480 of 1,613,998 alleles (0.03%); highest among the groups gnomAD compares: Middle Eastern, 0.61%; 3 homozygotes.

Submissions (6):

Labcorp Genetics (formerly Invitae), Labcorp
Classification: Likely benign. Last evaluated: 2025-11-06. Review status: criteria provided, single submitter. Criteria: Invitae Variant Classification Sherloc (09022015). Collection method: clinical testing. Allele origin: germline.

Blueprint Genetics
Classification: Likely benign. Last evaluated: 2024-11-27. Review status: criteria provided, single submitter. Criteria: ACMG Guidelines, 2015. Collection method: clinical testing. Allele origin: germline.

CeGaT Center for Human Genetics Tuebingen
Classification: Likely benign. Last evaluated: 2024-01-01. Review status: criteria provided, single submitter. Criteria: CeGaT Center For Human Genetics Tuebingen Variant Classification Criteria Version 2. Collection method: clinical testing. Allele origin: germline. Affected: yes. Observed: 4 variant alleles.
Comment: HEPACAM: BP4, BP7

GeneDx
Classification: Likely benign. Last evaluated: 2021-01-13. Review status: criteria provided, single submitter. Criteria: GeneDx Variant Classification Process June 2021. Collection method: clinical testing. Allele origin: germline. Affected: yes.

Genetic Services Laboratory, University of Chicago
Classification: Likely benign. Last evaluated: 2019-12-06. Review status: criteria provided, single submitter. Criteria: ACMG Guidelines, 2015. Collection method: clinical testing. Allele origin: germline. Affected: no.

Illumina Laboratory Services, Illumina
Classification: Uncertain significance for Megalencephalic leukoencephalopathy with subcortical cysts. Last evaluated: 2018-01-12. Review status: criteria provided, single submitter. Criteria: ICSL Variant Classification Criteria 13 December 2019. Collection method: clinical testing. Allele origin: germline.

NM_152722.5(HEPACAM):c.591C>T (p.Pro197=)

Gene: HEPACAM (hepatic and glial cell adhesion molecule; minus strand). Cytogenetic location: 11q24.2.
Variant type: single nucleotide variant.
Coding change: c.591C>T on transcript NM_152722.5 (MANE Select); coding-DNA position 591, C replaced by T.
Protein change: p.Pro197=; no amino-acid change (proline 197 retained).
Molecular consequence: synonymous variant.
Genome position (GRCh38, 1-based): chr11:124,923,847, G>A on the plus strand (C>T on the coding strand, the complement: HEPACAM is on the minus strand). VCF-style: chr11-124923847-G-A. GRCh37 (hg19) VCF-style: chr11-124793743-G-A.
Identifiers: ClinVar variation 303331 (VCV000303331.54), dbSNP rs201011094, ClinGen allele CA6345709.